The following is an entry in ClinVar:

ClinVar aggregate classification (germline): Pathogenic (1 of 4 stars; one submission).

Conditions:
Dowling-Degos disease 2 (DDD2). Identifiers: Orphanet 79145, MedGen C3809147, MONDO:0014130, OMIM 615327.

Submission:

Labcorp Genetics (formerly Invitae), Labcorp
Classification: Pathogenic for Dowling-Degos disease 2. Last evaluated: 2018-05-13. Review status: criteria provided, single submitter. Criteria: Invitae Variant Classification Sherloc (09022015). Collection method: clinical testing. Allele origin: germline.
Comment: For these reasons, this variant has been classified as Pathogenic. Loss-of-function variants in POFUT1 are known to be pathogenic (PMID: 25229252). This variant has not been reported in the literature in individuals with POFUT1-related disease. This variant is not present in population databases (ExAC no frequency). This sequence change creates a premature translational stop signal (p.Gln97*) in the POFUT1 gene. It is expected to result in an absent or disrupted protein product.

Literature cited by the submitters: PubMed 25229252.

NM_015352.2(POFUT1):c.289C>T (p.Gln97Ter)

Gene: POFUT1 (protein O-fucosyltransferase 1; plus strand). Cytogenetic location: 20q11.21.
Variant type: single nucleotide variant.
Coding change: c.289C>T on transcript NM_015352.2 (MANE Select); coding-DNA position 289, C replaced by T.
Protein change: p.Gln97Ter; replaces glutamine 97 with a stop codon.
Molecular consequence: nonsense.
Genome position (GRCh38, 1-based): chr20:32,215,311, C>T. VCF-style: chr20-32215311-C-T. GRCh37 (hg19) VCF-style: chr20-30803114-C-T.
Other names: c.289C>T, p.Gln97Ter (NM_172236.2); short protein forms Q97*.
Identifiers: ClinVar variation 574378 (VCV000574378.6), dbSNP rs1569152303, ClinGen allele CA408548863.